The following is an entry in ClinVar:

ClinVar aggregate classification (germline): Uncertain significance (1 of 4 stars; one submission).

Submission:

Labcorp Genetics (formerly Invitae), Labcorp
Classification: Uncertain significance. Last evaluated: 2025-09-07. Review status: criteria provided, single submitter. Criteria: Invitae Variant Classification Sherloc (09022015). Collection method: clinical testing. Allele origin: germline.
Comment: This sequence change replaces alanine, which is neutral and non-polar, with valine, which is neutral and non-polar, at codon 428 of the NAA15 protein (p.Ala428Val). This variant is not present in population databases (gnomAD no frequency). This variant has not been reported in the literature in individuals affected with NAA15-related conditions. An algorithm developed to predict the effect of missense changes on protein structure and function (PolyPhen-2) suggests that this variant is likely to be tolerated. In summary, the available evidence is currently insufficient to determine the role of this variant in disease. Therefore, it has been classified as a Variant of Uncertain Significance.

NM_057175.5(NAA15):c.1283C>T (p.Ala428Val)

Gene: NAA15 (N-alpha-acetyltransferase 15, NatA auxiliary subunit; plus strand). Cytogenetic location: 4q31.1.
Variant type: single nucleotide variant.
Coding change: c.1283C>T on transcript NM_057175.5 (MANE Select); coding-DNA position 1283, C replaced by T.
Protein change: p.Ala428Val; replaces alanine 428 with valine.
Molecular consequence: missense variant.
Genome position (GRCh38, 1-based): chr4:139,359,768, C>T. VCF-style: chr4-139359768-C-T. GRCh37 (hg19) VCF-style: chr4-140280922-C-T.
Other names: c.1283C>T, p.Ala428Val (NM_001410842.1); short protein forms A428V.
Identifiers: ClinVar variation 4769825 (VCV004769825.1).
Genomic context (GRCh38, chr4:139,359,768, plus strand): 5'-GCTAACTGGTTTATTTTGCTTTTGTACCTTATAAGCATGCTGGAAATATTAAAGAAGCTG[C>T]AAGGTGGATGGATGAGGCCCAGGCCTTGGACACAGCAGACAGATTTATCAACTCCAAATG-3'
Protein context (NP_476516.1, residues 418-438): YKHAGNIKEA[Ala428Val]RWMDEAQALD